The following is an entry in ClinVar:

ClinVar aggregate classification (germline): Benign/Likely benign. Review status: criteria provided, multiple submitters, no conflicts (2 of 4 stars). 9 submissions from 9 submitters: Benign (6); Likely benign (3). Last evaluated 2026-06-01.

Conditions:
Arthrogryposis multiplex congenita 6. Identifiers: MedGen C5543431, MONDO:0030281, OMIM 619334.
Nemaline myopathy 2 (NEM2). Also called: Nemaline myopathy 2, autosomal recessive. Identifiers: MedGen C1850569, MONDO:0009725, OMIM 256030.

Allele frequency attached by ClinVar (database versions not stated): gnomAD 0.00081 and 0.00101; TOPMed 0.00125; ExAC 0.00225; gnomAD exomes 0.00255; 1000 Genomes Project 30x 0.00484; 1000 Genomes Project 0.00519.
gnomAD v4.1: 1,214 of 1,610,202 alleles (0.075%); highest among the groups gnomAD compares: East Asian, 2.2%; 17 homozygotes.

Submissions (9):

CeGaT Center for Human Genetics Tuebingen
Classification: Likely benign. Last evaluated: 2026-06-01. Review status: criteria provided, single submitter. Criteria: CeGaT Center For Human Genetics Tuebingen Variant Classification Criteria Version 2. Collection method: clinical testing. Allele origin: germline. Affected: yes. Observed: 2 variant alleles.
Comment: NEB: BP4

Labcorp Genetics (formerly Invitae), Labcorp
Classification: Benign for Nemaline myopathy 2. Last evaluated: 2026-02-02. Review status: criteria provided, single submitter. Criteria: Invitae Variant Classification Sherloc (09022015). Collection method: clinical testing. Allele origin: germline.

Mayo Clinic Laboratories, Mayo Clinic
Classification: Likely benign. Last evaluated: 2025-02-05. Review status: criteria provided, single submitter. Criteria: ACMG Guidelines, 2015. Collection method: clinical testing. Allele origin: germline. Observed: 1 variant allele.
Comment: BS1, BS2, BP4

Athena Diagnostics
Classification: Benign. Last evaluated: 2024-07-17. Review status: criteria provided, single submitter. Criteria: Athena Diagnostics Criteria. Collection method: clinical testing. Allele origin: unknown.

Fulgent Genetics
Classification: Likely benign for Nemaline myopathy 2; Arthrogryposis multiplex congenita 6. Last evaluated: 2022-01-18. Review status: criteria provided, single submitter. Criteria: ACMG Guidelines, 2015. Collection method: clinical testing. Allele origin: unknown.

Women's Health and Genetics/Laboratory Corporation of America, LabCorp
Classification: Benign. Last evaluated: 2017-04-24. Review status: criteria provided, single submitter. Criteria: LabCorp Variant Classification Summary - May 2015. Collection method: clinical testing. Allele origin: germline.
Comment: Variant summary: The c.9052G>A (p.Asp3018Asn) in NEB gene is a missense change that alters a conserved nucleotide and 4/4 in silico tools predict damaging outcome. The variant is located within conserved nebulin repeats, although the impact of this change is yet to be confirmed by functional studies. The variant is present in the large control population datasets of ExAC and gnomAD at similar frequency (264/117446 chrs and 668/274324 chrs, respectively), predominantly East Asian sub-population [0.0310 (257/8286 chrs) in ExAC and 0.03452 (648/18770 chrs tested, including 10 homozygotes) in gnomAD]. These frequencies exceed the estimated maximal expected allele frequency of a pathogenic variant in NEB gene (0.0035). This variant has been reported in two siblings from a family with nemaline myopathy in compound heterozygous state with p.Ser8228Ser (Chen_2013); whether this genotype explained the phenotype in the family is unknown. Lastly, a reputable database/diagnostic center has classified the variant of interest as benign. Taken together, the variant was classified as Benign.

GeneDx
Classification: Benign. Last evaluated: 2016-11-15. Review status: criteria provided, single submitter. Criteria: GeneDx Variant Classification (06012015). Collection method: clinical testing. Allele origin: germline. Affected: yes.
Comment: This variant is considered likely benign or benign based on one or more of the following criteria: it is a conservative change, it occurs at a poorly conserved position in the protein, it is predicted to be benign by multiple in silico algorithms, and/or has population frequency not consistent with disease.

Breakthrough Genomics
Classification: Benign. Review status: criteria provided, single submitter. Criteria: ACMG Guidelines, 2015. Collection method: not provided. Allele origin: germline. Inheritance: Autosomal recessive inheritance. Affected: yes.

PreventionGenetics, part of Exact Sciences
Classification: Benign. Review status: criteria provided, single submitter. Criteria: ACMG Guidelines, 2015. Collection method: clinical testing. Allele origin: germline.

Literature cited by the submitters: PubMed 23726790 (cited by 3 submitters); PubMed 10838258 (cited by Athena Diagnostics); PubMed 37667433 (cited by Athena Diagnostics); PubMed 31370824 (cited by Athena Diagnostics).

NM_001164508.2(NEB):c.9052G>A (p.Asp3018Asn)

Gene: NEB (nebulin; minus strand). Cytogenetic location: 2q23.3.
Variant type: single nucleotide variant.
Coding change: c.9052G>A on transcript NM_001164508.2 (MANE Select); coding-DNA position 9052, G replaced by A.
Protein change: p.Asp3018Asn; replaces aspartic acid 3018 with asparagine.
Molecular consequence: missense variant. On other transcripts: intron variant (1).
Genome position (GRCh38, 1-based): chr2:151,636,277, C>T on the plus strand (G>A on the coding strand, the complement: NEB is on the minus strand). VCF-style: chr2-151636277-C-T. GRCh37 (hg19) VCF-style: chr2-152492791-C-T.
Other names: p.Asp3018Asn; c.9052G>A, p.Asp3018Asn (NM_001164507.2, NM_001271208.2); c.8853+3616G>A (NM_004543.5); short protein forms D3018N.
Identifiers: ClinVar variation 257835 (VCV000257835.30), dbSNP rs192098032, ClinGen allele CA1909428.